The following is an entry in ClinVar:

NM_014679.5(CEP57):c.44C>G (p.Ser15Trp)

Genes: CEP57 (centrosomal protein 57; plus strand), LOC130006618 (ATAC-STARR-seq lymphoblastoid active region 5417; plus strand). Cytogenetic location: 11q21.
Variant type: single nucleotide variant.
Coding change: c.44C>G on transcript NM_014679.5 (MANE Select); coding-DNA position 44, C replaced by G.
Protein change: p.Ser15Trp; replaces serine 15 with tryptophan.
Molecular consequence: missense variant. On other transcripts: 5 prime UTR variant (7), intron variant (1).
Genome position (GRCh38, 1-based): chr11:95,790,742, C>G. VCF-style: chr11-95790742-C-G. GRCh37 (hg19) VCF-style: chr11-95523906-C-G.
Other names: c.-28C>G (NM_001243776.2); c.44C>G, p.Ser15Trp (NM_001243777.2, NM_001440871.1, NM_001440872.1 and 6 more transcripts); c.-351C>G (NM_001363604.2, NM_001440877.1); c.-33C>G (NM_001440870.1, NM_001440875.1, NM_001440878.1 and 1 more transcripts); c.-37+600C>G (NM_001440869.1); short protein forms S15W.
Identifiers: ClinVar variation 5034373 (VCV005034373.1).

ClinVar aggregate classification (germline): Uncertain significance (1 of 4 stars; one submission).

Conditions:
Inborn genetic diseases. Identifiers: MedGen C0950123, MeSH D030342.

Submission:

Ambry Genetics
Classification: Uncertain significance for Inborn genetic diseases. Last evaluated: 2026-07-20. Review status: criteria provided, single submitter. Criteria: Ambry Variant Classification Scheme 2023. Collection method: clinical testing. Allele origin: germline.
Comment: The p.S15W variant (also known as c.44C>G), located in coding exon 1 of the CEP57 gene, results from a C to G substitution at nucleotide position 44. The serine at codon 15 is replaced by tryptophan, an amino acid with highly dissimilar properties. This amino acid position is conserved. In addition, this alteration is predicted to be tolerated by in silico analysis. Based on the available evidence, the clinical significance of this variant remains unclear.